The following is an entry in ClinVar:

ClinVar aggregate classification (germline): Uncertain significance. Review status: criteria provided, multiple submitters, no conflicts (2 of 4 stars). 2 submissions from 2 submitters: Uncertain significance (2). Last evaluated 2025-09-28.

Conditions:
Inborn genetic diseases. Identifiers: MedGen C0950123, MeSH D030342.

Allele frequency attached by ClinVar (database versions not stated): gnomAD exomes 0.00004; TOPMed below 0.00001; gnomAD 0.00003; ExAC 0.00008.
gnomAD v4.1: 63 of 1,613,428 alleles (0.0039%); highest among the groups gnomAD compares: South Asian, 0.065%; no homozygotes.

Submissions (2):

Ambry Genetics
Classification: Uncertain significance for Inborn genetic diseases. Last evaluated: 2025-09-28. Review status: criteria provided, single submitter. Criteria: Ambry Variant Classification Scheme 2023. Collection method: clinical testing. Allele origin: germline.

Labcorp Genetics (formerly Invitae), Labcorp
Classification: Uncertain significance. Last evaluated: 2025-04-09. Review status: criteria provided, single submitter. Criteria: Invitae Variant Classification Sherloc (09022015). Collection method: clinical testing. Allele origin: germline.
Comment: This sequence change replaces glycine, which is neutral and non-polar, with arginine, which is basic and polar, at codon 769 of the NFKB1 protein (p.Gly769Arg). This variant is present in population databases (rs778809251, gnomAD 0.05%), and has an allele count higher than expected for a pathogenic variant. This variant has not been reported in the literature in individuals affected with NFKB1-related conditions. ClinVar contains an entry for this variant (Variation ID: 2595021). Invitae Evidence Modeling of protein sequence and biophysical properties (such as structural, functional, and spatial information, amino acid conservation, physicochemical variation, residue mobility, and thermodynamic stability) indicates that this missense variant is not expected to disrupt NFKB1 protein function with a negative predictive value of 80%. In summary, the available evidence is currently insufficient to determine the role of this variant in disease. Therefore, it has been classified as a Variant of Uncertain Significance.

NM_003998.4(NFKB1):c.2305G>A (p.Gly769Arg)

Gene: NFKB1 (nuclear factor kappa B subunit 1; plus strand). Cytogenetic location: 4q24.
Variant type: single nucleotide variant.
Coding change: c.2305G>A on transcript NM_003998.4 (MANE Select); coding-DNA position 2305, G replaced by A.
Protein change: p.Gly769Arg; replaces glycine 769 with arginine.
Molecular consequence: missense variant.
Genome position (GRCh38, 1-based): chr4:102,610,652, G>A. VCF-style: chr4-102610652-G-A. GRCh37 (hg19) VCF-style: chr4-103531809-G-A.
Other names: c.2302G>A, p.Gly768Arg (NM_001165412.2, NM_001319226.2, NM_001382627.1); c.2305G>A, p.Gly769Arg (NM_001382625.1, NM_001382626.1); c.2263G>A, p.Gly755Arg (NM_001382628.1); short protein forms G769R, G755R, G768R.
Identifiers: ClinVar variation 2595021 (VCV002595021.5), dbSNP rs778809251, ClinGen allele CA3026385.